The following is an entry in ClinVar:

NM_001430.5(EPAS1):c.985C>T (p.Pro329Ser)

Gene: EPAS1 (endothelial PAS domain protein 1; plus strand). Cytogenetic location: 2p21.
Variant type: single nucleotide variant.
Coding change: c.985C>T on transcript NM_001430.5 (MANE Select); coding-DNA position 985, C replaced by T.
Protein change: p.Pro329Ser; replaces proline 329 with serine.
Molecular consequence: missense variant.
Genome position (GRCh38, 1-based): chr2:46,375,788, C>T. VCF-style: chr2-46375788-C-T. GRCh37 (hg19) VCF-style: chr2-46602927-C-T.
Other names: short protein forms P329S.
Identifiers: ClinVar variation 2565056 (VCV002565056.2), dbSNP rs781173090, ClinGen allele CA1644836.

ClinVar aggregate classification (germline): Uncertain significance (1 of 4 stars; one submission).

Conditions:
Inborn genetic diseases. Identifiers: MedGen C0950123, MeSH D030342.

Allele frequency attached by ClinVar (database versions not stated): gnomAD exomes below 0.00001; ExAC 0.00001.
gnomAD v4.1: 1 of 1,614,224 alleles (0.000062%); highest among the groups gnomAD compares: South Asian, 0.0011%; no homozygotes.

Submission:

Ambry Genetics
Classification: Uncertain significance for Inborn genetic diseases. Last evaluated: 2023-04-08. Review status: criteria provided, single submitter. Criteria: Ambry Variant Classification Scheme 2023. Collection method: clinical testing. Allele origin: germline.
Comment: The p.P329S variant (also known as c.985C>T), located in coding exon 8 of the EPAS1 gene, results from a C to T substitution at nucleotide position 985. The proline at codon 329 is replaced by serine, an amino acid with similar properties. This amino acid position is conserved. In addition, this alteration is predicted to be tolerated by in silico analysis. Since supporting evidence is limited at this time, the clinical significance of this alteration remains unclear.